The following is an entry in ClinVar:

ClinVar aggregate classification (germline): Likely pathogenic (1 of 4 stars; one submission).

Conditions:
Hereditary spastic paraplegia 30. Identifiers: Orphanet 101010, MedGen C5235139, MONDO:0012476.
Neuropathy, hereditary sensory, type 2C. Also called: KIF1A-Related HSAN2 (HSAN2C); Hereditary sensory and autonomic neuropathy type IIC. Identifiers: Orphanet 970, MedGen C3280168, MONDO:0013634, OMIM 614213.
Intellectual disability, autosomal dominant 9 (NESCAVS). Also called: KIF1A-Related Neurodevelopmental Disorder; NESCAV SYNDROME. Identifiers: Orphanet 662367, MedGen C5393830, MONDO:0013656, OMIM 614255.

Submission:

Labcorp Genetics (formerly Invitae), Labcorp
Classification: Likely pathogenic for Hereditary spastic paraplegia 30; Neuropathy, hereditary sensory, type 2C; Intellectual disability, autosomal dominant 9. Last evaluated: 2021-08-30. Review status: criteria provided, single submitter. Criteria: Invitae Variant Classification Sherloc (09022015). Collection method: clinical testing. Allele origin: germline.
Comment: This sequence change replaces isoleucine with phenylalanine at codon 27 of the KIF1A protein (p.Ile27Phe). The isoleucine residue is highly conserved and there is a small physicochemical difference between isoleucine and phenylalanine. This variant is not present in population databases (ExAC no frequency). This variant has not been reported in the literature in individuals affected with KIF1A-related conditions. Advanced modeling of protein sequence and biophysical properties (such as structural, functional, and spatial information, amino acid conservation, physicochemical variation, residue mobility, and thermodynamic stability) performed at Invitae indicates that this missense variant is expected to disrupt KIF1A protein function. This variant disrupts the p.Ile27 amino acid residue in KIF1A. Other variant(s) that disrupt this residue have been determined to be pathogenic (PMID: 28362824). This suggests that this residue is clinically significant, and that variants that disrupt this residue are likely to be disease-causing. In summary, the currently available evidence indicates that the variant is pathogenic, but additional data are needed to prove that conclusively. Therefore, this variant has been classified as Likely Pathogenic.

Literature cited by the submitters: PubMed 28362824.

NM_001244008.2(KIF1A):c.79A>T (p.Ile27Phe)

Gene: KIF1A (kinesin family member 1A; minus strand). Cytogenetic location: 2q37.3.
Variant type: single nucleotide variant.
Coding change: c.79A>T on transcript NM_001244008.2 (MANE Select); coding-DNA position 79, A replaced by T.
Protein change: p.Ile27Phe; replaces isoleucine 27 with phenylalanine.
Molecular consequence: missense variant.
Genome position (GRCh38, 1-based): chr2:240,797,674, T>A on the plus strand (A>T on the coding strand, the complement: KIF1A is on the minus strand). VCF-style: chr2-240797674-T-A. GRCh37 (hg19) VCF-style: chr2-241737091-T-A.
Other names: c.79A>T, p.Ile27Phe (NM_001320705.2, NM_001330289.2, NM_001330290.2 and 20 more transcripts); short protein forms I27F.
Identifiers: ClinVar variation 1505292 (VCV001505292.6), dbSNP rs2056552812, ClinGen allele CA351315657.